The following is an entry in ClinVar:

ClinVar aggregate classification (germline): Uncertain significance (1 of 4 stars; one submission).

Conditions:
Leber congenital amaurosis 4 (LCA4). Identifiers: MedGen C1858386, MONDO:0011458, OMIM 604393.

Submission:

Labcorp Genetics (formerly Invitae), Labcorp
Classification: Uncertain significance for Leber congenital amaurosis 4. Last evaluated: 2022-04-05. Review status: criteria provided, single submitter. Criteria: Invitae Variant Classification Sherloc (09022015). Collection method: clinical testing. Allele origin: germline.
Comment: This sequence change falls in intron 4 of the AIPL1 gene. It does not directly change the encoded amino acid sequence of the AIPL1 protein. This variant is not present in population databases (gnomAD no frequency). This variant has not been reported in the literature in individuals affected with AIPL1-related conditions. Algorithms developed to predict the effect of sequence changes on RNA splicing suggest that this variant may create or strengthen a splice site. In summary, the available evidence is currently insufficient to determine the role of this variant in disease. Therefore, it has been classified as a Variant of Uncertain Significance.

NM_014336.5(AIPL1):c.642+20G>A

Gene: AIPL1 (AIP like 1 HSP90 co-chaperone; minus strand). Cytogenetic location: 17p13.2.
Variant type: single nucleotide variant.
Coding change: c.642+20G>A on transcript NM_014336.5 (MANE Select); 20 bases into the intron after coding-DNA position 642, G replaced by A.
Molecular consequence: intron variant.
Genome position (GRCh38, 1-based): chr17:6,426,861, C>T on the plus strand (G>A on the coding strand, the complement: AIPL1 is on the minus strand). VCF-style: chr17-6426861-C-T. GRCh37 (hg19) VCF-style: chr17-6330181-C-T.
Other names: c.606+20G>A (NM_001285399.3); c.453+20G>A (NM_001033054.3); c.642+20G>A (NM_001285401.3); c.462+20G>A (NM_001033055.3); c.576+20G>A (NM_001285400.3); c.525+20G>A (NM_001285402.2); c.618+20G>A (NM_001285403.4).
Identifiers: ClinVar variation 1965465 (VCV001965465.2), dbSNP rs778831030, ClinGen allele CA2245347814.